The following is an entry in ClinVar:

ClinVar aggregate classification (germline): Uncertain significance (1 of 4 stars; one submission).

Submission:

GeneDx
Classification: Uncertain significance. Last evaluated: 2022-09-20. Review status: criteria provided, single submitter. Criteria: GeneDx Variant Classification Process June 2021. Collection method: clinical testing. Allele origin: germline. Affected: yes.
Comment: Not observed at significant frequency in large population cohorts (gnomAD); In silico analysis supports that this missense variant has a deleterious effect on protein structure/function; Has not been previously published as pathogenic or benign to our knowledge

NM_014244.5(ADAMTS2):c.2636A>T (p.Tyr879Phe)

Gene: ADAMTS2 (ADAM metallopeptidase with thrombospondin type 1 motif 2; minus strand). Cytogenetic location: 5q35.3.
Variant type: single nucleotide variant.
Coding change: c.2636A>T on transcript NM_014244.5 (MANE Select); coding-DNA position 2636, A replaced by T.
Protein change: p.Tyr879Phe; replaces tyrosine 879 with phenylalanine.
Molecular consequence: missense variant.
Genome position (GRCh38, 1-based): chr5:179,126,112, T>A on the plus strand (A>T on the coding strand, the complement: ADAMTS2 is on the minus strand). VCF-style: chr5-179126112-T-A. GRCh37 (hg19) VCF-style: chr5-178553113-T-A.
Other names: short protein forms Y879F.
Identifiers: ClinVar variation 2444571 (VCV002444571.1), dbSNP rs2480159993, ClinGen allele CA362422173.